The following is an entry in ClinVar:

NM_001128840.3(CACNA1D):c.1285C>T (p.Gln429Ter)

Gene: CACNA1D (calcium voltage-gated channel subunit alpha1 D; plus strand). Cytogenetic location: 3p21.1.
Variant type: single nucleotide variant.
Coding change: c.1285C>T on transcript NM_001128840.3 (MANE Select); coding-DNA position 1285, C replaced by T.
Protein change: p.Gln429Ter; replaces glutamine 429 with a stop codon.
Molecular consequence: nonsense.
Genome position (GRCh38, 1-based): chr3:53,702,705, C>T. VCF-style: chr3-53702705-C-T. GRCh37 (hg19) VCF-style: chr3-53736732-C-T.
Other names: c.1285C>T, p.Gln429Ter (NM_000720.4, NM_001128839.3); short protein forms Q429*.
Identifiers: ClinVar variation 3629975 (VCV003629975.1).

ClinVar aggregate classification (germline): Uncertain significance (1 of 4 stars; one submission).

Submission:

Women's Health and Genetics/Laboratory Corporation of America, LabCorp
Classification: Uncertain significance. Last evaluated: 2024-11-20. Review status: criteria provided, single submitter. Criteria: LabCorp Variant Classification Summary - May 2015. Collection method: clinical testing. Allele origin: germline.
Comment: Variant summary: CACNA1D c.1285C>T (p.Gln429X) results in a premature termination codon, predicted to cause a truncation of the encoded protein or absence of the protein due to nonsense mediated decay, however current evidence is not sufficient to establish loss of function as a mechanism for disease. The variant was absent in 251432 control chromosomes. The available data on variant occurrences in the general population are insufficient to allow any conclusion about variant significance. To our knowledge, no occurrence of c.1285C>T in individuals affected with Sinoatrial Node Dysfunction And Deafness and no experimental evidence demonstrating its impact on protein function have been reported. No submitters have cited clinical-significance assessments for this variant to ClinVar. Based on the evidence outlined above, the variant was classified as uncertain significance.